The following is an entry in ClinVar:

ClinVar aggregate classification (germline): Likely pathogenic (1 of 4 stars; one submission).

Submission:

GeneDx
Classification: Likely pathogenic. Last evaluated: 2025-01-29. Review status: criteria provided, single submitter. Criteria: GeneDx Variant Classification Process June 2021. Collection method: clinical testing. Allele origin: germline. Affected: yes.
Comment: Not observed at significant frequency in large population cohorts (gnomAD); In silico analysis supports that this missense variant has a deleterious effect on protein structure/function; Has not been previously published as pathogenic or benign germline variant to our knowledge; This variant is associated with the following publications: (PMID: 11595749, 19961560, 8670882, 8036496, 21291504, 24598074, 37114375, 39169042)

NM_006908.5(RAC1):c.103A>G (p.Thr35Ala)

Gene: RAC1 (Rac family small GTPase 1; plus strand). Cytogenetic location: 7p22.1.
Variant type: single nucleotide variant.
Coding change: c.103A>G on transcript NM_006908.5 (MANE Select); coding-DNA position 103, A replaced by G.
Protein change: p.Thr35Ala; replaces threonine 35 with alanine.
Molecular consequence: missense variant.
Genome position (GRCh38, 1-based): chr7:6,387,279, A>G. VCF-style: chr7-6387279-A-G. GRCh37 (hg19) VCF-style: chr7-6426910-A-G.
Other names: c.103A>G, p.Thr35Ala (NM_018890.4); short protein forms T35A.
Identifiers: ClinVar variation 4072487 (VCV004072487.1).